The following is an entry in ClinVar:

ClinVar aggregate classification (germline): Uncertain significance (1 of 4 stars; one submission).

Conditions:
Charcot-Marie-Tooth disease dominant intermediate C (CMTDIC). Also called: CHARCOT-MARIE-TOOTH NEUROPATHY, DOMINANT INTERMEDIATE C. Identifiers: Orphanet 100045, MedGen C1842237, MONDO:0012012, OMIM 608323.

gnomAD v4.1: 3 of 1,613,904 alleles (0.00019%); highest among the groups gnomAD compares: Non-Finnish European, 0.00025%; no homozygotes.

Submission:

Labcorp Genetics (formerly Invitae), Labcorp
Classification: Uncertain significance for Charcot-Marie-Tooth disease dominant intermediate C. Last evaluated: 2021-07-17. Review status: criteria provided, single submitter. Criteria: Invitae Variant Classification Sherloc (09022015). Collection method: clinical testing. Allele origin: germline.
Comment: This sequence change replaces alanine with valine at codon 300 of the YARS protein (p.Ala300Val). The alanine residue is highly conserved and there is a small physicochemical difference between alanine and valine. This variant is not present in population databases (ExAC no frequency). This variant has been observed in individual(s) with clinical features of Charcot-Marie-Tooth disease (Invitae). ClinVar contains an entry for this variant (Variation ID: 944309). Algorithms developed to predict the effect of missense changes on protein structure and function are either unavailable or do not agree on the potential impact of this missense change (SIFT: "Not Available"; PolyPhen-2: "Benign"; Align-GVGD: "Not Available"). In summary, the available evidence is currently insufficient to determine the role of this variant in disease. Therefore, it has been classified as a Variant of Uncertain Significance.

NM_003680.4(YARS1):c.899C>T (p.Ala300Val)

Genes: YARS1 (tyrosyl-tRNA synthetase 1; minus strand), LOC126805688 (BRD4-independent group 4 enhancer GRCh37_chr1:33251929-33253128; plus strand). Cytogenetic location: 1p35.1.
Variant type: single nucleotide variant.
Coding change: c.899C>T on transcript NM_003680.4 (MANE Select); coding-DNA position 899, C replaced by T.
Protein change: p.Ala300Val; replaces alanine 300 with valine.
Molecular consequence: missense variant.
Genome position (GRCh38, 1-based): chr1:32,786,369, G>A on the plus strand (C>T on the coding strand, the complement: YARS1 is on the minus strand). VCF-style: chr1-32786369-G-A. GRCh37 (hg19) VCF-style: chr1-33251970-G-A.
Other names: short protein forms A300V.
Identifiers: ClinVar variation 944309 (VCV000944309.10), dbSNP rs1653226667, ClinGen allele CA339684155.